The following is an entry in ClinVar:

NM_001134363.3(RBM20):c.2688G>T (p.Glu896Asp)

Gene: RBM20 (RNA binding motif protein 20; plus strand). Cytogenetic location: 10q25.2.
Variant type: single nucleotide variant.
Coding change: c.2688G>T on transcript NM_001134363.3 (MANE Select); coding-DNA position 2688, G replaced by T.
Protein change: p.Glu896Asp; replaces glutamic acid 896 with aspartic acid.
Molecular consequence: missense variant.
Genome position (GRCh38, 1-based): chr10:110,821,307, G>T. VCF-style: chr10-110821307-G-T. GRCh37 (hg19) VCF-style: chr10-112581065-G-T.
Other names: short protein forms E896D.
Identifiers: ClinVar variation 576851 (VCV000576851.10), dbSNP rs950962230, ClinGen allele CA213229274.

ClinVar aggregate classification (germline): Uncertain significance. Review status: criteria provided, multiple submitters, no conflicts (2 of 4 stars). 2 submissions from 2 submitters: Uncertain significance (2). Last evaluated 2025-12-01.

Conditions:
Cardiovascular phenotype. Identifiers: MedGen CN230736.
Dilated cardiomyopathy 1DD (CMD1DD). Identifiers: Orphanet 154, MedGen C2750995, MONDO:0013168, OMIM 613172.

Allele frequency attached by ClinVar (database versions not stated): gnomAD exomes below 0.00001; gnomAD 0.00003 and 0.00004; TOPMed 0.00006.
gnomAD v4.1: 7 of 1,551,570 alleles (0.00045%); highest among the groups gnomAD compares: African/African-American, 0.0096%; no homozygotes.

Submissions (2):

Labcorp Genetics (formerly Invitae), Labcorp
Classification: Uncertain significance for Dilated cardiomyopathy 1DD. Last evaluated: 2025-12-01. Review status: criteria provided, single submitter. Criteria: Invitae Variant Classification Sherloc (09022015). Collection method: clinical testing. Allele origin: germline.
Comment: This sequence change replaces glutamic acid, which is acidic and polar, with aspartic acid, which is acidic and polar, at codon 896 of the RBM20 protein (p.Glu896Asp). This variant is not present in population databases (gnomAD no frequency). This variant has not been reported in the literature in individuals affected with RBM20-related conditions. ClinVar contains an entry for this variant (Variation ID: 576851). Invitae Evidence Modeling of protein sequence and biophysical properties (such as structural, functional, and spatial information, amino acid conservation, physicochemical variation, residue mobility, and thermodynamic stability) indicates that this missense variant is not expected to disrupt RBM20 protein function with a negative predictive value of 95%. In summary, the available evidence is currently insufficient to determine the role of this variant in disease. Therefore, it has been classified as a Variant of Uncertain Significance.

Ambry Genetics
Classification: Uncertain significance for Cardiovascular phenotype. Last evaluated: 2024-02-01. Review status: criteria provided, single submitter. Criteria: Ambry Variant Classification Scheme 2023. Collection method: clinical testing. Allele origin: germline.
Comment: The p.E896D variant (also known as c.2688G>T), located in coding exon 11 of the RBM20 gene, results from a G to T substitution at nucleotide position 2688. The glutamic acid at codon 896 is replaced by aspartic acid, an amino acid with highly similar properties. This amino acid position is well conserved in available vertebrate species; however, aspartic acid is the reference amino acid in other vertebrate species. In addition, this alteration is predicted to be tolerated by in silico analysis. Since supporting evidence is limited at this time, the clinical significance of this alteration remains unclear.